The following is an entry in ClinVar:

ClinVar aggregate classification (germline): Uncertain significance (1 of 4 stars; one submission).

Conditions:
Tuberous sclerosis 1 (TSC1). Identifiers: Orphanet 805, MedGen C1854465, MONDO:0008612, OMIM 191100.

Submission:

Labcorp Genetics (formerly Invitae), Labcorp
Classification: Uncertain significance for Tuberous sclerosis 1. Last evaluated: 2021-04-30. Review status: criteria provided, single submitter. Criteria: Invitae Variant Classification Sherloc (09022015). Collection method: clinical testing. Allele origin: germline.
Comment: Nucleotide substitutions within the consensus splice site are a relatively common cause of aberrant splicing (PMID: 17576681, 9536098). Algorithms developed to predict the effect of sequence changes on RNA splicing suggest that this variant may disrupt the consensus splice site, but this prediction has not been confirmed by published transcriptional studies. In summary, the available evidence is currently insufficient to determine the role of this variant in disease. Therefore, it has been classified as a Variant of Uncertain Significance. This variant has not been reported in the literature in individuals with TSC1-related conditions. This sequence change falls in intron 22 of the TSC1 gene. It does not directly change the encoded amino acid sequence of the TSC1 protein. It affects a nucleotide within the consensus splice site of the intron. This variant is not present in population databases (ExAC no frequency).

Literature cited by the submitters: PubMed 17576681; PubMed 9536098.

NM_000368.5(TSC1):c.2975+3A>G

Gene: TSC1 (TSC complex subunit 1; minus strand). Cytogenetic location: 9q34.13.
Variant type: single nucleotide variant.
Coding change: c.2975+3A>G on transcript NM_000368.5 (MANE Select); 3 bases into the intron after coding-DNA position 2975, A replaced by G.
Molecular consequence: intron variant.
Genome position (GRCh38, 1-based): chr9:132,897,181, T>C on the plus strand (A>G on the coding strand, the complement: TSC1 is on the minus strand). VCF-style: chr9-132897181-T-C. GRCh37 (hg19) VCF-style: chr9-135772568-T-C.
Other names: c.2612+3A>G (NM_001362177.2); c.2822+3A>G (NM_001162427.2); c.2972+3A>G (NM_001162426.2).
Identifiers: ClinVar variation 1466897 (VCV001466897.6), dbSNP rs2131622699, ClinGen allele CA2573144363.
Genomic context (GRCh38, chr9:132,897,181, plus strand): 5'-ACAGTCCTTATGCTGGAATTGGCAGCTTAGTCCCAAGGTCATGAATCAGTTCTTTGTTCC[T>C]ACCTTTCTTCTGCTGCTTCAGCTGCTTCTGCTTTTTCTTCTTCAAGTTTTTTCAGGAGGC-3'